The following is an entry in ClinVar:

ClinVar aggregate classification (germline): Conflicting classifications of pathogenicity. Review status: criteria provided, conflicting classifications (1 of 4 stars). 2 submissions from 2 submitters: Uncertain significance (1); Likely benign (1). Last evaluated 2026-08-25.

Conditions:
SEMA3D-related disorder. Also called: SEMA3D-related condition.

Allele frequency attached by ClinVar (database versions not stated): TOPMed 0.00001; gnomAD exomes 0.00002; ExAC 0.00004.
gnomAD v4.1: 29 of 1,606,236 alleles (0.0018%); highest among the groups gnomAD compares: Middle Eastern, 0.25%; 1 homozygote.

Submissions (2):

PreventionGenetics, part of Exact Sciences
Classification: Uncertain significance for SEMA3D-related condition. Last evaluated: 2026-08-25. Review status: criteria provided, single submitter. Criteria: ACMG Guidelines, 2015. Collection method: clinical testing. Allele origin: germline.
Comment: The SEMA3D c.113T>C variant is predicted to result in the amino acid substitution p.Leu38Ser. To our knowledge, this variant has not been reported in the literature. This variant is reported in 0.0072% of alleles in individuals of European (non-Finnish) descent in gnomAD, and in gnomAD v4 (available only on GRCh38), this variant is reported in one homozygote. This variant has conflicting classifications in ClinVar from likely benign to uncertain (Variation ID: 2366973). Although we suspect this variant is benign, at this time, the clinical significance of this variant is uncertain due to the absence of conclusive functional and genetic evidence.

Ambry Genetics
Classification: Likely benign. Last evaluated: 2022-06-30. Review status: criteria provided, single submitter. Criteria: Ambry Variant Classification Scheme 2023. Collection method: clinical testing. Allele origin: germline.

NM_001384900.1(SEMA3D):c.113T>C (p.Leu38Ser)

Gene: SEMA3D (semaphorin 3D; minus strand). Cytogenetic location: 7q21.11.
Variant type: single nucleotide variant.
Coding change: c.113T>C on transcript NM_001384900.1 (MANE Select); coding-DNA position 113, T replaced by C.
Protein change: p.Leu38Ser; replaces leucine 38 with serine.
Molecular consequence: missense variant.
Genome position (GRCh38, 1-based): chr7:85,121,779, A>G on the plus strand (T>C on the coding strand, the complement: SEMA3D is on the minus strand). VCF-style: chr7-85121779-A-G. GRCh37 (hg19) VCF-style: chr7-84751095-A-G.
Other names: c.113T>C, p.Leu38Ser (NM_001384901.1, NM_001384902.1, NM_001384903.1 and 1 more transcripts); short protein forms L38S.
Identifiers: ClinVar variation 2366973 (VCV002366973.5), dbSNP rs781507228, ClinGen allele CA4323888.